The following is an entry in ClinVar:

NM_177438.3(DICER1):c.1227T>G (p.Tyr409Ter)

Gene: DICER1 (dicer 1, ribonuclease III; minus strand). Cytogenetic location: 14q32.13.
Variant type: single nucleotide variant.
Coding change: c.1227T>G on transcript NM_177438.3 (MANE Select); coding-DNA position 1227, T replaced by G.
Protein change: p.Tyr409Ter; replaces tyrosine 409 with a stop codon.
Molecular consequence: nonsense. On other transcripts: 5 prime UTR variant (1), non-coding transcript variant (6).
Genome position (GRCh38, 1-based): chr14:95,124,345, A>C on the plus strand (T>G on the coding strand, the complement: DICER1 is on the minus strand). VCF-style: chr14-95124345-A-C. GRCh37 (hg19) VCF-style: chr14-95590682-A-C.
Other names: c.1227T>G, p.Tyr409Ter (NM_001195573.1, NM_001271282.3, NM_001291628.2 and 15 more transcripts); c.945T>G, p.Tyr315Ter (NM_001395686.1); c.822T>G, p.Tyr274Ter (NM_001395687.1, NM_001395688.1, NM_001395689.1 and 3 more transcripts); c.660T>G, p.Tyr220Ter (NM_001395691.1); c.-342T>G (NM_001395697.1); short protein forms Y220*, Y409*, Y315*, Y274*.
Identifiers: ClinVar variation 1754704 (VCV001754704.2), dbSNP rs767824722, ClinGen allele CA390886604.
Genomic context (GRCh38, chr14:95,124,345, plus strand): 5'-CTTCTCTTTTTCTTCAATTTCTTCATCCTCATCATCATCCTCAGAATCACTCCATGACAC[A>C]TAATTATCCTGATTTCTATTATTATACCACTCAACGCTTTCAAACTGCTGTCGCTCATAT-3'

ClinVar aggregate classification (germline): Pathogenic (1 of 4 stars; one submission).

Conditions:
Hereditary cancer-predisposing syndrome. Also called: Neoplastic Syndromes, Hereditary; Tumor predisposition; Hereditary Cancer Syndrome; Hereditary neoplastic syndrome. Identifiers: Orphanet 140162, MedGen C0027672, MeSH D009386, MONDO:0015356.

Submission:

Ambry Genetics
Classification: Pathogenic for Hereditary cancer-predisposing syndrome. Last evaluated: 2017-12-29. Review status: criteria provided, single submitter. Criteria: Ambry Variant Classification Scheme 2023. Collection method: clinical testing. Allele origin: germline.
Comment: The p.Y409* pathogenic mutation (also known as c.1227T>G), located in coding exon 7 of the DICER1 gene, results from a T to G substitution at nucleotide position 1227. This changes the amino acid from a tyrosine to a stop codon within coding exon 7. This alteration is expected to result in loss of function by premature protein truncation or nonsense-mediated mRNA decay. As such, this alteration is interpreted as a disease-causing mutation.